The following is an entry in ClinVar:

ClinVar aggregate classification (germline): Uncertain significance (1 of 4 stars; one submission).

Conditions:
Early Myoclonic Encephalopathy. Identifiers: MedGen C0270855.

Submission:

Labcorp Genetics (formerly Invitae), Labcorp
Classification: Uncertain significance for Early Myoclonic Encephalopathy. Last evaluated: 2019-05-14. Review status: criteria provided, single submitter. Criteria: Invitae Variant Classification Sherloc (09022015). Collection method: clinical testing. Allele origin: germline.
Comment: Algorithms developed to predict the effect of missense changes on protein structure and function (SIFT, PolyPhen-2, Align-GVGD) all suggest that this variant is likely to be tolerated, but these predictions have not been confirmed by published functional studies and their clinical significance is uncertain. In summary, the available evidence is currently insufficient to determine the role of this variant in disease. Therefore, it has been classified as a Variant of Uncertain Significance. This variant has not been reported in the literature in individuals with JMJD1C-related conditions. This variant is not present in population databases (ExAC no frequency). This sequence change replaces serine with proline at codon 2359 of the JMJD1C protein (p.Ser2359Pro). The serine residue is highly conserved and there is a moderate physicochemical difference between serine and proline.

NM_032776.3(JMJD1C):c.7075T>C (p.Ser2359Pro)

Gene: JMJD1C (jumonji domain containing 1C; minus strand). Cytogenetic location: 10q21.3.
Variant type: single nucleotide variant.
Coding change: c.7075T>C on transcript NM_032776.3 (MANE Select); coding-DNA position 7075, T replaced by C.
Protein change: p.Ser2359Pro; replaces serine 2359 with proline.
Molecular consequence: missense variant. On other transcripts: non-coding transcript variant (1).
Genome position (GRCh38, 1-based): chr10:63,183,456, A>G on the plus strand (T>C on the coding strand, the complement: JMJD1C is on the minus strand). VCF-style: chr10-63183456-A-G. GRCh37 (hg19) VCF-style: chr10-64943216-A-G.
Other names: c.6529T>C, p.Ser2177Pro (NM_001282948.2, NM_001318154.2); c.6211T>C, p.Ser2071Pro (NM_001318153.2); c.6961T>C, p.Ser2321Pro (NM_001322252.2); c.6418T>C, p.Ser2140Pro (NM_001322254.2, NM_001322258.2); short protein forms S2321P, S2359P, S2140P, S2071P, S2177P.
Identifiers: ClinVar variation 950547 (VCV000950547.9), dbSNP rs1843729684, ClinGen allele CA377020299.
Genomic context (GRCh38, chr10:63,183,456, plus strand): 5'-ATGTGATTATTCAACTCTTATTTCAAAGACTACTTATTCTTTTAAGTTTACCTGCTTTTG[A>G]GAGAATGCCATTTCCTTTTGCTATGCCAACATAAACTAGTATATTTACAACATCAGAAAC-3'
Protein context (NP_116165.1, residues 2349-2369): VGIAKGNGIL[Ser2359Pro]KAGILKKFEE